The following is an entry in ClinVar:

ClinVar aggregate classification (germline): Uncertain significance. Review status: criteria provided, multiple submitters, no conflicts (2 of 4 stars). 2 submissions from 2 submitters: Uncertain significance (2). Last evaluated 2025-03-04.

Conditions:
Hereditary cancer-predisposing syndrome. Also called: Hereditary Cancer Syndrome; Tumor predisposition; Hereditary neoplastic syndrome; Neoplastic Syndromes, Hereditary. Identifiers: Orphanet 140162, MedGen C0027672, MeSH D009386, MONDO:0015356.

Submissions (2):

Center for Genomic Medicine, Rigshospitalet, Copenhagen University Hospital
Classification: Uncertain significance. Last evaluated: 2025-03-04. Review status: criteria provided, single submitter. Criteria: ACMG Guidelines, 2015. Collection method: clinical testing. Allele origin: germline.

Color Diagnostics, LLC DBA Color Health
Classification: Uncertain significance for Hereditary cancer-predisposing syndrome. Last evaluated: 2023-12-05. Review status: criteria provided, single submitter. Criteria: ACMG Guidelines, 2015. Collection method: clinical testing. Allele origin: germline.
Comment: This missense variant replaces serine with cysteine at codon 39 of the BMPR1A protein. Computational prediction suggests that this variant may not impact protein structure and function. To our knowledge, functional studies have not been reported for this variant. This variant has not been reported in individuals affected with BMPR1A-related disorders in the literature. This variant has not been identified in the general population by the Genome Aggregation Database (gnomAD). The available evidence is insufficient to determine the role of this variant in disease conclusively. Therefore, this variant is classified as a Variant of Uncertain Significance.

NM_004329.3(BMPR1A):c.116C>G (p.Ser39Cys)

Gene: BMPR1A (bone morphogenetic protein receptor type 1A; plus strand). Cytogenetic location: 10q23.2.
Variant type: single nucleotide variant.
Coding change: c.116C>G on transcript NM_004329.3 (MANE Select); coding-DNA position 116, C replaced by G.
Protein change: p.Ser39Cys; replaces serine 39 with cysteine.
Molecular consequence: missense variant. On other transcripts: non-coding transcript variant (3).
Genome position (GRCh38, 1-based): chr10:86,890,110, C>G. VCF-style: chr10-86890110-C-G. GRCh37 (hg19) VCF-style: chr10-88649867-C-G.
Other names: c.116C>G, p.Ser39Cys (NM_001406559.1, NM_001406560.1, NM_001406563.1 and 23 more transcripts); c.32C>G, p.Ser11Cys (NM_001406584.1, NM_001406585.1, NM_001406586.1 and 2 more transcripts); short protein forms S11C, S39C.
Identifiers: ClinVar variation 3256497 (VCV003256497.3).
Genomic context (GRCh38, chr10:86,890,110, plus strand): 5'-ATTTGAATGCAGGACAGAATCTGGATAGTATGCTTCATGGCACTGGGATGAAATCAGACT[C>G]CGACCAGAAAAAGTCAGAAAATGGAGTAACCTTAGCACCAGAGGATACCTTGCCTTTTTT-3'
Protein context (NP_004320.2, residues 29-49): MLHGTGMKSD[Ser39Cys]DQKKSENGVT